The following is an entry in ClinVar:

ClinVar aggregate classification (germline): Benign/Likely benign. Review status: criteria provided, multiple submitters, no conflicts (2 of 4 stars). 9 submissions from 9 submitters: Benign (2); Likely benign (5). 2 of the submissions do not count toward it. Last evaluated 2026-01-18.

Conditions:
Familial focal epilepsy with variable foci (FPEVF). Identifiers: Orphanet 98820, MedGen C1858477, MONDO:0020310.

Allele frequency attached by ClinVar (database versions not stated): 1000 Genomes Project 0.00040; TOPMed 0.00048; 1000 Genomes Project 30x 0.00062; ESP Exome Variant Server 0.00066; gnomAD 0.00157 and 0.00167.
gnomAD v4.1: 1,975 of 1,614,010 alleles (0.12%); highest among the groups gnomAD compares: Non-Finnish European, 0.076%; 6 homozygotes.

Submissions (9):

Labcorp Genetics (formerly Invitae), Labcorp
Classification: Benign for Familial focal epilepsy with variable foci. Last evaluated: 2026-01-18. Review status: criteria provided, single submitter. Criteria: Invitae Variant Classification Sherloc (09022015). Collection method: clinical testing. Allele origin: germline.

Mayo Clinic Laboratories, Mayo Clinic
Classification: Benign. Last evaluated: 2025-07-17. Review status: criteria provided, single submitter. Criteria: ACMG Guidelines, 2015. Collection method: clinical testing. Allele origin: germline. Observed: 1 variant allele.
Comment: BA1, BP4_moderate

CeGaT Center for Human Genetics Tuebingen
Classification: Likely benign. Last evaluated: 2025-06-01. Review status: criteria provided, single submitter. Criteria: CeGaT Center For Human Genetics Tuebingen Variant Classification Criteria Version 2. Collection method: clinical testing. Allele origin: germline. Affected: yes. Observed: 2 variant alleles.
Comment: DEPDC5: BS1

Blueprint Genetics
Classification: Likely benign. Last evaluated: 2024-11-07. Review status: criteria provided, single submitter. Criteria: ACMG Guidelines, 2015. Collection method: clinical testing. Allele origin: germline.

GeneDx
Classification: Likely benign. Last evaluated: 2021-04-15. Review status: criteria provided, single submitter. Criteria: GeneDx Variant Classification Process June 2021. Collection method: clinical testing. Allele origin: germline. Affected: yes.

Center for Pediatric Genomic Medicine, Children's Mercy Hospital and Clinics
Classification: Likely benign. Last evaluated: 2017-09-01. Review status: criteria provided, single submitter. Criteria: ACMG Guidelines, 2015. Collection method: clinical testing. Allele origin: germline.

Breakthrough Genomics
Classification: Likely benign. Review status: criteria provided, single submitter. Criteria: ACMG Guidelines, 2015. Collection method: not provided. Allele origin: germline. Inheritance: Autosomal dominant inheritance. Affected: yes.

Clinical Genetics DNA and cytogenetics Diagnostics Lab, Erasmus MC, Erasmus Medical Center
Classification: Likely benign. Review status: no assertion criteria provided. Collection method: clinical testing. Allele origin: germline. Affected: yes. Study: VKGL Data-share Consensus. Not counted in ClinVar's aggregate classification.

Genome Diagnostics Laboratory, University Medical Center Utrecht
Classification: Likely benign. Review status: no assertion criteria provided. Collection method: clinical testing. Allele origin: germline. Affected: yes. Study: VKGL Data-share Consensus. Not counted in ClinVar's aggregate classification.

Literature cited by the submitters: PubMed 36067010 (cited by Mayo Clinic Laboratories, Mayo Clinic).

NM_001242896.3(DEPDC5):c.814G>A (p.Val272Ile)

Gene: DEPDC5 (DEP domain containing 5, GATOR1 subcomplex subunit; plus strand). Cytogenetic location: 22q12.2.
Variant type: single nucleotide variant.
Coding change: c.814G>A on transcript NM_001242896.3 (MANE Select); coding-DNA position 814, G replaced by A.
Protein change: p.Val272Ile; replaces valine 272 with isoleucine.
Molecular consequence: missense variant. On other transcripts: non-coding transcript variant (5).
Genome position (GRCh38, 1-based): chr22:31,797,646, G>A. VCF-style: chr22-31797646-G-A. GRCh37 (hg19) VCF-style: chr22-32193632-G-A.
Other names: p.Val272Ile; c.814G>A, p.Val272Ile (NM_001007188.4, NM_001136029.4, NM_001242897.2 and 7 more transcripts); c.730G>A, p.Val244Ile (NM_001369901.1, NM_001369902.1); short protein forms V272I, V244I.
Identifiers: ClinVar variation 414466 (VCV000414466.31), dbSNP rs187334123, ClinGen allele CA10196121.
Genomic context (GRCh38, chr22:31,797,646, plus strand): 5'-AATACTCTTTTCAGAGTGGTGGTGCAGAATGAGAGAAGAGAAGAATGGACTTCACTTCTC[G>A]TAACCATTAAAAAACTCTTCATCCAGTATCCAGTGTTGGTGCGACTGGAACAGGCAGGTA-3'
Protein context (NP_001229825.1, residues 262-282): ERREEWTSLL[Val272Ile]TIKKLFIQYP